The following is an entry in ClinVar:

NM_000278.5(PAX2):c.167G>A (p.Arg56Gln)

Gene: PAX2 (paired box 2; plus strand). Cytogenetic location: 10q24.31.
Variant type: single nucleotide variant.
Coding change: c.167G>A on transcript NM_000278.5 (MANE Select); coding-DNA position 167, G replaced by A.
Protein change: p.Arg56Gln; replaces arginine 56 with glutamine.
Molecular consequence: missense variant.
Genome position (GRCh38, 1-based): chr10:100,749,869, G>A. VCF-style: chr10-100749869-G-A. GRCh37 (hg19) VCF-style: chr10-102509626-G-A.
Other names: c.260G>A, p.Arg87Gln (NM_001304569.2); c.167G>A, p.Arg56Gln (NM_003987.5, NM_003988.5, NM_003989.5 and 1 more transcripts); c.167G>A (NM_000278.4); short protein forms R56Q, R87Q.
Identifiers: ClinVar variation 155929 (VCV000155929.2), dbSNP rs587777708, ClinGen allele CA170733.

ClinVar aggregate classification (germline): Uncertain significance. Review status: criteria provided, single submitter (1 of 4 stars). 2 submissions from 2 submitters: Uncertain significance (1). 1 of the submissions does not count toward it. Last evaluated 2024-10-09.

Conditions:
Focal segmental glomerulosclerosis 7 (FSGS7). Identifiers: Orphanet 656, MedGen C4014925, MONDO:0014451, OMIM 616002.

Submissions (2):

Victorian Clinical Genetics Services, Murdoch Childrens Research Institute
Classification: Uncertain significance for Focal segmental glomerulosclerosis 7. Last evaluated: 2024-10-09. Review status: criteria provided, single submitter. Criteria: ACMG Guidelines, 2015. Collection method: clinical testing. Allele origin: germline. Inheritance: Autosomal dominant inheritance. Affected: yes.
Comment: Based on the classification scheme VCGS_Germline_v1.3.4, this variant is classified as VUS-3A. Following criteria are met: 0102 - Loss of function is a known mechanism of disease in this gene and is associated with focal segmental glomerulosclerosis, 7 (MIM#616002). (I) 0107 - This gene is associated with autosomal dominant disease. (I) 0115 - Variants in this gene are known to have variable expressivity. Wide phenotypic variability has been reported (PMID: 34696790, 20301624). (I) 0200 - Variant is predicted to result in a missense amino acid change from arginine to glutamine. (I) 0251 - This variant is heterozygous. (I) 0301 - Variant is absent from gnomAD (both v2 and v3). (SP) 0502 - Missense variant with conflicting in silico predictions and high conservation. (I) 0603 - Missense variant in a region that is highly intolerant to missense variation (high constraint region in DECIPHER). (SP) 0705 - No comparable missense variants have previous evidence for pathogenicity. (I) 0803 - This variant has limited previous evidence of pathogenicity in an unrelated individual. This variant has been observed in the literature in an individual with focal segmental glomerulosclerosis (PMID: 24676634). (SP) 0905 - No published segregation evidence has been identified for this variant. (I) 1002 - This variant has moderate functional evidence supporting abnormal protein function. HEK 293T cells expressing this variant demonstrated significantly weaker DNA-binding when compared to wildtype cells (PMID: 24676634). (SP) 1208 - Inheritance information for this variant is not currently available in this individual. (I) Legend: (SP) - Supporting pathogenic, (I) - Information, (SB) - Supporting benign

OMIM
Classification: Pathogenic for FOCAL SEGMENTAL GLOMERULOSCLEROSIS 7. Last evaluated: 2014-09-01. Review status: no assertion criteria provided. Collection method: literature only. Allele origin: germline. Not counted in ClinVar's aggregate classification.

Literature cited by the submitters: PubMed 20301624 (cited by Victorian Clinical Genetics Services, Murdoch Childrens Research Institute); PubMed 24676634 (cited by Victorian Clinical Genetics Services, Murdoch Childrens Research Institute and OMIM); PubMed 34696790 (cited by Victorian Clinical Genetics Services, Murdoch Childrens Research Institute).